The following is an entry in ClinVar:

ClinVar aggregate classification (germline): Benign/Likely benign. Review status: criteria provided, multiple submitters, no conflicts (2 of 4 stars). 7 submissions from 7 submitters: Benign (3); Likely benign (3). 1 of the submissions does not count toward it. Last evaluated 2026-08-01.

Conditions:
Neurodevelopmental disorder with coarse facies and mild distal skeletal abnormalities. Also called: STOLERMAN NEURODEVELOPMENTAL SYNDROME. Identifiers: MedGen C5193134, MONDO:0032790, OMIM 618505.
KDM6B-related disorder. Also called: KDM6B-related condition.
Inborn genetic diseases. Identifiers: MedGen C0950123, MeSH D030342.

Allele frequency attached by ClinVar (database versions not stated): 1000 Genomes Project 0.00020; 1000 Genomes Project 30x 0.00031; gnomAD 0.00065; gnomAD exomes 0.00076 and 0.00142; TOPMed 0.00080; ExAC 0.00232.
gnomAD v4.1: 1,203 of 1,530,466 alleles (0.079%); highest among the groups gnomAD compares: Middle Eastern, 0.95%; 3 homozygotes.

Submissions (7):

CeGaT Center for Human Genetics Tuebingen
Classification: Likely benign. Last evaluated: 2026-08-01. Review status: criteria provided, single submitter. Criteria: CeGaT Center For Human Genetics Tuebingen Variant Classification Criteria Version 2. Collection method: clinical testing. Allele origin: germline. Affected: yes. Observed: 6 variant alleles.
Comment: KDM6B: BS1

Blueprint Genetics
Classification: Likely benign. Last evaluated: 2024-11-07. Review status: criteria provided, single submitter. Criteria: ACMG Guidelines, 2015. Collection method: clinical testing. Allele origin: germline.

Ambry Genetics
Classification: Likely benign for Inborn genetic diseases. Last evaluated: 2022-03-28. Review status: criteria provided, single submitter. Criteria: Ambry Variant Classification Scheme 2023. Collection method: clinical testing. Allele origin: germline.

Department of Pathology and Laboratory Medicine, Sinai Health System
Classification: Benign for Neurodevelopmental disorder with coarse facies and mild distal skeletal abnormalities. Last evaluated: 2021-07-30. Review status: criteria provided, single submitter. Criteria: ACMG Guidelines, 2015. Collection method: research. Allele origin: germline.

Labcorp Genetics (formerly Invitae), Labcorp
Classification: Benign. Last evaluated: 2018-05-14. Review status: criteria provided, single submitter. Criteria: Invitae Variant Classification Sherloc (09022015). Collection method: clinical testing. Allele origin: germline.

Breakthrough Genomics
Classification: Benign. Review status: criteria provided, single submitter. Criteria: ACMG Guidelines, 2015. Collection method: not provided. Allele origin: germline. Inheritance: Autosomal dominant inheritance. Affected: yes.

PreventionGenetics, part of Exact Sciences
Classification: Likely benign for KDM6B-related condition. Last evaluated: 2019-07-10. Review status: no assertion criteria provided. Collection method: clinical testing. Allele origin: germline. Not counted in ClinVar's aggregate classification.
Comment: This variant is classified as likely benign based on ACMG/AMP sequence variant interpretation guidelines (Richards et al. 2015 PMID: 25741868, with internal and published modifications).

NM_001348716.2(KDM6B):c.4908+49G>C

Gene: KDM6B (lysine demethylase 6B; plus strand). Cytogenetic location: 17p13.1.
Variant type: single nucleotide variant.
Coding change: c.4908+49G>C on transcript NM_001348716.2 (MANE Select); 49 bases into the intron after coding-DNA position 4908, G replaced by C.
Molecular consequence: intron variant. On other transcripts: missense variant (1).
Genome position (GRCh38, 1-based): chr17:7,853,429, G>C. VCF-style: chr17-7853429-G-C. GRCh37 (hg19) VCF-style: chr17-7756747-G-C.
Other names: c.4957G>C, p.Ala1653Pro (NM_001080424.2); short protein forms A1653P.
Identifiers: ClinVar variation 730937 (VCV000730937.32), dbSNP rs557767608, ClinGen allele CA8361598.
Genomic context (GRCh38, chr17:7,853,429, plus strand): 5'-GCCTTCACGCTGGTGAGGGCCCGGCGGGCGCGCGGGCAGCGGAGGAGGGCACTGGGGCAG[G>C]CTGCAGGGACGGGCTTCGGGAGCCCGGCCGCGCCTTTCCCTGAGCCCCCGCCGGCTTTCT-3'